The following is an entry in ClinVar:

ClinVar aggregate classification (germline): Uncertain significance. Review status: criteria provided, multiple submitters, no conflicts (2 of 4 stars). 7 submissions from 7 submitters: Uncertain significance (6). 1 of the submissions does not count toward it. Last evaluated 2025-12-02.

Conditions:
Cerebral arteriopathy with subcortical infarcts and leukoencephalopathy. Also called: Cerebral autosomal dominant arteriopathy with subcortical infarcts and leukoencephalopathy. Identifiers: MedGen C0751587, MONDO:0007432.

Allele frequency attached by ClinVar (database versions not stated): gnomAD exomes 0.00001; ExAC 0.00002; ESP Exome Variant Server 0.00023.
gnomAD v4.1: 16 of 1,611,474 alleles (0.00099%); highest among the groups gnomAD compares: African/African-American, 0.0013%; no homozygotes.

Submissions (7):

Women's Health and Genetics/Laboratory Corporation of America, LabCorp
Classification: Uncertain significance. Last evaluated: 2025-12-02. Review status: criteria provided, single submitter. Criteria: LabCorp Variant Classification Summary - May 2015. Collection method: clinical testing. Allele origin: germline.
Comment: Variant summary: NOTCH3 c.133G>C (p.Asp45His) results in a non-conservative amino acid change in the encoded protein sequence. Algorithms developed to predict the effect of missense changes on protein structure and function all suggest that this variant is likely to be disruptive. The variant allele was found at a frequency of 8.2e-06 in 244642 control chromosomes. The available data on variant occurrences in the general population are insufficient to allow any conclusion about variant significance. c.133G>C has been observed with other missense variants in an individual affected with Cerebral Arteriopathy, Autosomal Recessive, With Subcortical Infarcts And Leukoencephalopathy 1 without clear evidence for causality (Dunn_2025)). These report(s) do not provide unequivocal conclusions about association of the variant with Cerebral Arteriopathy, Autosomal Recessive, With Subcortical Infarcts And Leukoencephalopathy 1. To our knowledge, no experimental evidence demonstrating an impact on protein function has been reported. The following publications have been ascertained in the context of this evaluation (PMID: 31836585, 39743006). ClinVar contains an entry for this variant (Variation ID: 447782). Based on the evidence outlined above, the variant was classified as uncertain significance.

Labcorp Genetics (formerly Invitae), Labcorp
Classification: Uncertain significance. Last evaluated: 2025-08-11. Review status: criteria provided, single submitter. Criteria: Invitae Variant Classification Sherloc (09022015). Collection method: clinical testing. Allele origin: germline.
Comment: This sequence change replaces aspartic acid, which is acidic and polar, with histidine, which is basic and polar, at codon 45 of the NOTCH3 protein (p.Asp45His). This variant is present in population databases (rs142031490, gnomAD 0.002%). This missense change has been observed in individual(s) with clinical features of NOTCH3-related conditions (PMID: 31836585, 31915071). ClinVar contains an entry for this variant (Variation ID: 447782). Invitae Evidence Modeling of protein sequence and biophysical properties (such as structural, functional, and spatial information, amino acid conservation, physicochemical variation, residue mobility, and thermodynamic stability) has been performed for this missense variant. However, the output from this modeling did not meet the statistical confidence thresholds required to predict the impact of this variant on NOTCH3 protein function. In summary, the available evidence is currently insufficient to determine the role of this variant in disease. Therefore, it has been classified as a Variant of Uncertain Significance.

Athena Diagnostics
Classification: Uncertain significance. Last evaluated: 2024-05-28. Review status: criteria provided, single submitter. Criteria: Athena Diagnostics Criteria. Collection method: clinical testing. Allele origin: unknown.
Comment: Available data are insufficient to determine the clinical significance of the variant at this time. The frequency of this variant in the general population is uninformative in assessment of its pathogenicity. In our internal patient population, this variant is statistically more frequent than in the general population, which is weak evidence this variant may be disease causing. This variant has been identified in at least one individual with clinical features associated with CADASIL. This variant has been identified in cis with NOTCH3 c.154G>A in published literature, general population data, and our internal patient data (PMID: 31836585, The Genome Aggregation Database (gnomAD), Athena Diagnostics internal data). Polyphen and MutationTaster yielded discordant predictions regarding whether this amino acid change is damaging to the protein. Greater than 90% of NOTCH3 pathogenic variants associated with CADASIL involve the gain or loss of a cysteine residue within the epidermal growth factor (EGF)-like repeat domain (PMID: 32457593, 20301673).

Blueprint Genetics
Classification: Uncertain significance. Last evaluated: 2023-09-10. Review status: criteria provided, single submitter. Criteria: ACMG Guidelines, 2015. Collection method: clinical testing. Allele origin: germline.

Mayo Clinic Laboratories, Mayo Clinic
Classification: Uncertain significance. Last evaluated: 2022-11-29. Review status: criteria provided, single submitter. Criteria: ACMG Guidelines, 2015. Collection method: clinical testing. Allele origin: germline. Observed: 2 variant alleles.
Comment: BP1, PP3

ARUP Laboratories, Molecular Genetics and Genomics, ARUP Laboratories
Classification: Uncertain significance. Last evaluated: 2019-03-07. Review status: criteria provided, single submitter. Criteria: ARUP Molecular Germline Variant Investigation Process. Collection method: clinical testing. Allele origin: germline.
Comment: The NOTCH3 c.133G>C; p.Asp45His variant (rs142031490) is reported in the literature in cis to a p.Gly52Arg missense variant in individual affected with cerebral small vessel disease with a family history of stroke and migraines (Tan 2018). The p.Asp45His variant is reported in ClinVar (Variation ID: 447782), and it is found on only two chromosomes (2/244642 alleles) in the Genome Aggregation Database. The aspartate at codon 45 is highly conserved, but computational analyses (SIFT: damaging, PolyPhen-2: benign) predict conflicting effects of this variant on protein structure/function. Structural modeling suggests this variant may perturb the secondary structure of EGF domain 1 and influence the orientation of a cysteine residue involved in a critical disulfide bond, though further studies would be required to determine a functional effect (Tan 2018). Given the lack of clinical and functional data, the significance of the p.Asp45His variant is uncertain at this time. References: Tan, YYR. Genetics of Cerebral Small Vessel Disease (Doctoral thesis). 2018. DOI 10.17863/CAM.30570

Molecular Genetics Laboratory, BC Children's and BC Women's Hospitals
Classification: Uncertain significance for Cerebral arteriopathy with subcortical infarcts and leukoencephalopathy. Last evaluated: 2021-07-02. Review status: no assertion criteria provided. Criteria: ACMG Guidelines, 2015. Collection method: clinical testing. Allele origin: germline. Affected: yes. Not counted in ClinVar's aggregate classification.

Literature cited by the submitters: PubMed 31836585 (cited by 4 submitters); PubMed 39743006 (cited by Women's Health and Genetics/Laboratory Corporation of America, LabCorp); PubMed 31915071 (cited by 3 submitters).

NM_000435.3(NOTCH3):c.133G>C (p.Asp45His)

Gene: NOTCH3 (notch receptor 3; minus strand). Cytogenetic location: 19p13.12.
Variant type: single nucleotide variant.
Coding change: c.133G>C on transcript NM_000435.3 (MANE Select); coding-DNA position 133, G replaced by C.
Protein change: p.Asp45His; replaces aspartic acid 45 with histidine.
Molecular consequence: missense variant.
Genome position (GRCh38, 1-based): chr19:15,197,564, C>G on the plus strand (G>C on the coding strand, the complement: NOTCH3 is on the minus strand). VCF-style: chr19-15197564-C-G. GRCh37 (hg19) VCF-style: chr19-15308375-C-G.
Other names: short protein forms D45H.
Identifiers: ClinVar variation 447782 (VCV000447782.26), dbSNP rs142031490, ClinGen allele CA9263992.